The following is an entry in ClinVar:

ClinVar aggregate classification (germline): Uncertain significance (1 of 4 stars; one submission).

Submission:

Labcorp Genetics (formerly Invitae), Labcorp
Classification: Uncertain significance. Last evaluated: 2025-12-23. Review status: criteria provided, single submitter. Criteria: Invitae Variant Classification Sherloc (09022015). Collection method: clinical testing. Allele origin: germline.
Comment: This sequence change creates a premature translational stop signal (p.Val276Glyfs*17) in the ICOSLG gene. While this is not anticipated to result in nonsense mediated decay, it is expected to disrupt the last 27 amino acid(s) of the ICOSLG protein. This variant is present in population databases (no rsID available, gnomAD 0.1%). This variant has not been reported in the literature in individuals affected with ICOSLG-related conditions. In summary, the available evidence is currently insufficient to determine the role of this variant in disease. Therefore, it has been classified as a Variant of Uncertain Significance.

NM_015259.6(ICOSLG):c.827del (p.Val276fs)

Gene: ICOSLG (inducible T cell costimulator ligand; minus strand). Cytogenetic location: 21q22.3.
Variant type: Deletion.
Coding change: c.827del on transcript NM_015259.6 (MANE Select); coding-DNA position 827, one base deleted (T; older notation c.827delT).
Protein change: p.Val276fs; shifts the reading frame from valine 276.
Molecular consequence: frameshift variant.
Genome position (GRCh38, 1-based): chr21:44,231,315, A deleted on the plus strand (T on the coding strand, the reverse complement: ICOSLG is on the minus strand). VCF-style (leftmost placement, unchanged base first): chr21-44231314-CA-C. GRCh37 (hg19) VCF-style: chr21-45651197-CA-C.
Other names: c.827del, p.Val276fs (NM_001283050.2, NM_001395918.1); c.476del, p.Val159fs (NM_001283051.2); c.572del, p.Val191fs (NM_001283052.2); c.746del, p.Val249fs (NM_001365759.2); short protein forms V159fs, V191fs, V276fs, V249fs.
Identifiers: ClinVar variation 4765647 (VCV004765647.1).